The following is an entry in ClinVar:

ClinVar aggregate classification (germline): Likely pathogenic. Review status: reviewed by expert panel (3 of 4 stars). 6 submissions from 6 submitters: Likely pathogenic (1). 5 of the submissions do not count toward it. Last evaluated 2025-05-15.

Conditions:
Hereditary cancer-predisposing syndrome. Also called: Neoplastic Syndromes, Hereditary; Tumor predisposition; Hereditary neoplastic syndrome; Hereditary Cancer Syndrome. Identifiers: Orphanet 140162, MedGen C0027672, MeSH D009386, MONDO:0015356.
Familial adenomatous polyposis 1 (FAP1). Also called: POLYPOSIS, ADENOMATOUS INTESTINAL; FAMILIAL ADENOMATOUS POLYPOSIS 1, ATTENUATED. Identifiers: MedGen C2713442, MONDO:0021056, OMIM 175100. Disease mechanism: loss of function.

Submissions (6):

ClinGen InSiGHT Hereditary Colorectal Cancer/Polyposis Variant Curation Expert Panel
Classification: Likely pathogenic for Familial adenomatous polyposis 1. Last evaluated: 2025-05-15. Review status: reviewed by expert panel. Criteria: ClinGen InSiGHT HCCP VCEP ACMG Specifications APC V1. Collection method: curation. Allele origin: germline. Inheritance: Autosomal dominant inheritance.
Comment: The NM_000038.6(APC):c.7798_7801del (p.Gln2600ValfsTer15) variant in APC is a frameshift variant located between codon 49 and 2645 and predicted to cause a premature stop codon in exon 16 in a gene in which loss-of-function is an established disease mechanism (PVS1). The total minor allele frequency in gnomAD v2.1.1 (non-cancer) is 0.000004 (1/235936 alleles), which is lower than the ClinGen InSiGHT Hereditary Colorectal Cancer/Polyposis VCEP (HCCP VCEP) threshold of < 0.001% (0.00001) for PM2_Supporting if the allele count is ≤ 1 and therefore meets this criterion (PM2_Supporting). This variant has been reported in 1 proband meeting phenotypic criteria, resulting in a total phenotype score of 0.5 and in 1 proband with a colorectal cancer/polyposis associated phenotype not meeting phenotypic criteria (PS4 not met [Ambry Genetics, GeneDX]). This variant has been observed in a heterozygous state in 3 individuals without a colorectal cancer/polyposis associated phenotype worth 3 healthy individual points in total (BS2_Supporting met; internal data Labcorp Genetics [formerly Invitae] and Ambry Genetics). The HCCP VCEP does not consider it a conflict that BS2_Supporting is fulfilled, as an attenuated polyposis phenotype is known in this region of the gene. In summary, this variant is a Likely Pathogenic variant for autosomal-dominant inherited FAP based on the ACMG/AMP criteria applied, as specified by the HCCP VCEP: PVS1, PM2_Supporting, BS2_Supporting (VCEP specifications version v2.1.0; date of approval 11/24/2023).

Labcorp Genetics (formerly Invitae), Labcorp
Classification: Pathogenic for Familial adenomatous polyposis 1. Last evaluated: 2024-07-31. Review status: criteria provided, single submitter. Criteria: Invitae Variant Classification Sherloc (09022015). Collection method: clinical testing. Allele origin: germline. Not counted in ClinVar's aggregate classification.
Comment: This sequence change creates a premature translational stop signal (p.Gln2600Valfs*15) in the APC gene. While this is not anticipated to result in nonsense mediated decay, it is expected to disrupt the last 244 amino acid(s) of the APC protein. This variant is present in population databases (no rsID available, gnomAD 0.003%). This variant has not been reported in the literature in individuals affected with APC-related conditions. ClinVar contains an entry for this variant (Variation ID: 827255). This variant is expected to disrupt the EB1 and HDLG binding sites, which mediate interactions with the cytoskeleton (PMID: 15311282, 17293347). While functional studies have not been performed to directly test the effect on APC protein function, this suggests that disruption of the C-terminal portion of the protein is functionally important. A different truncation (p.Tyr2645Lysfs*14) that lies downstream of this variant has been determined to be pathogenic (PMID: 9824584, 1316610, 27081525, 8381579, 22135120, Invitae). This suggests that deletion of this region of the APC protein is causative of disease. For these reasons, this variant has been classified as Pathogenic.

Ambry Genetics
Classification: Pathogenic for Hereditary cancer-predisposing syndrome. Last evaluated: 2024-05-27. Review status: criteria provided, single submitter. Criteria: Ambry Variant Classification Scheme 2023. Collection method: clinical testing. Allele origin: germline. Not counted in ClinVar's aggregate classification.
Comment: The c.7798_7801delCAAA pathogenic mutation, located in coding exon 15 of the APC gene, results from a deletion of 4 nucleotides at nucleotide positions 7798 to 7801, causing a translational frameshift with a predicted alternate stop codon (p.Q2600Vfs*15). This alteration is expected to result in loss of function by premature protein truncation. As such, this alteration is interpreted as a disease-causing mutation.

Myriad Genetics, Inc.
Classification: Pathogenic for Familial adenomatous polyposis 1. Last evaluated: 2023-05-16. Review status: criteria provided, single submitter. Criteria: Myriad Autosomal Dominant, Autosomal Recessive and X-Linked Classification Criteria (2023). Collection method: clinical testing. Allele origin: unknown. Not counted in ClinVar's aggregate classification.
Comment: This variant is considered pathogenic. This variant creates a frameshift predicted to result in premature protein truncation.

Baylor Genetics
Classification: Likely pathogenic for Familial adenomatous polyposis 1. Last evaluated: 2022-02-02. Review status: criteria provided, single submitter. Criteria: ACMG Guidelines, 2015. Collection method: clinical testing. Allele origin: unknown. Not counted in ClinVar's aggregate classification.

GeneDx
Classification: Pathogenic. Last evaluated: 2021-01-21. Review status: criteria provided, single submitter. Criteria: GeneDx Variant Classification Process June 2021. Collection method: clinical testing. Allele origin: germline. Affected: yes. Not counted in ClinVar's aggregate classification.
Comment: Frameshift variant predicted to result in protein truncation in a gene for which loss-of-function is a known mechanism of disease; Not observed at a significant frequency in large population cohorts (Lek 2016); Has not been previously published as pathogenic or benign to our knowledge

Literature cited by the submitters: PubMed 15311282 (cited by Labcorp Genetics (formerly Invitae), Labcorp); PubMed 17293347 (cited by Labcorp Genetics (formerly Invitae), Labcorp); PubMed 9824584 (cited by Labcorp Genetics (formerly Invitae), Labcorp); PubMed 1316610 (cited by Labcorp Genetics (formerly Invitae), Labcorp); PubMed 27081525 (cited by Labcorp Genetics (formerly Invitae), Labcorp); PubMed 8381579 (cited by Labcorp Genetics (formerly Invitae), Labcorp); PubMed 22135120 (cited by Labcorp Genetics (formerly Invitae), Labcorp).

NM_000038.6(APC):c.7798_7801del (p.Gln2600fs)

Gene: APC (APC regulator of Wnt signaling pathway; plus strand). Cytogenetic location: 5q22.2.
Variant type: Microsatellite.
Coding change: c.7798_7801del on transcript NM_000038.6 (MANE Select); coding-DNA positions 7798 to 7801, 4 bases deleted (CAAA; older notation c.7798_7801delCAAA).
Protein change: p.Gln2600fs; shifts the reading frame from glutamine 2600.
Molecular consequence: frameshift variant.
Genome position (GRCh38, 1-based): chr5:112,843,392-112,843,395, CAAA deleted; deleting any 4 consecutive bases within chr5:112,843,388-112,843,395 gives the same sequence; the c. name uses the placement nearest the transcript's 3' end. VCF-style (leftmost placement, unchanged base first): chr5-112843387-CCAAA-C. GRCh37 (hg19) VCF-style: chr5-112179084-CCAAA-C.
Other names: NM_000038.6(APC):c.7798_7801del; p.Gln2600fs; c.7798_7801del, p.Gln2600fs (NM_001127510.3, NM_001354895.2); c.7744_7747del, p.Gln2582fs (NM_001127511.3); c.7852_7855del, p.Gln2618fs (NM_001354896.2); c.7828_7831del, p.Gln2610fs (NM_001354897.2); c.7723_7726del, p.Gln2575fs (NM_001354898.2); c.7714_7717del, p.Gln2572fs (NM_001354899.2); and 8 more; short protein forms Q2499fs, Q2559fs, Q2575fs, Q2610fs, Q2618fs, Q2317fs, Q2440fs, Q2541fs.
Identifiers: ClinVar variation 827255 (VCV000827255.19), dbSNP rs1561618361, ClinGen allele CA562217624.